The following is an entry in ClinVar:

NM_021096.4(CACNA1I):c.1992G>C (p.Gln664His)

Gene: CACNA1I (calcium voltage-gated channel subunit alpha1 I; plus strand). Cytogenetic location: 22q13.1.
Variant type: single nucleotide variant.
Coding change: c.1992G>C on transcript NM_021096.4 (MANE Select); coding-DNA position 1992, G replaced by C.
Protein change: p.Gln664His; replaces glutamine 664 with histidine.
Molecular consequence: missense variant.
Genome position (GRCh38, 1-based): chr22:39,649,925, G>C. VCF-style: chr22-39649925-G-C. GRCh37 (hg19) VCF-style: chr22-40045930-G-C.
Other names: c.1887G>C, p.Gln629His (NM_001003406.2); short protein forms Q629H, Q664H.
Identifiers: ClinVar variation 3392971 (VCV003392971.1).

ClinVar aggregate classification (germline): Uncertain significance (1 of 4 stars; one submission).

Submission:

GeneDx
Classification: Uncertain significance. Last evaluated: 2024-06-28. Review status: criteria provided, single submitter. Criteria: GeneDx Variant Classification Process June 2021. Collection method: clinical testing. Allele origin: germline. Affected: yes.
Comment: Not observed at significant frequency in large population cohorts (gnomAD); In silico analysis supports that this missense variant has a deleterious effect on protein structure/function; In silico analysis supports a deleterious effect on splicing; Has not been previously published as pathogenic or benign to our knowledge